The following is an entry in ClinVar:

ClinVar aggregate classification (germline): Benign/Likely benign. Review status: criteria provided, multiple submitters, no conflicts (2 of 4 stars). 9 submissions from 9 submitters: Benign (8); Likely benign (1). Last evaluated 2026-02-04.

Conditions:
Immunodeficiency, common variable, 2 (CVID2). Also called: ANTIBODY DEFICIENCY DUE TO TACI DEFECT; HYPOGAMMAGLOBULINEMIA DUE TO TACI DEFICIENCY. Identifiers: Orphanet 1572, MedGen C3150354, MONDO:0009413, OMIM 240500.

Allele frequency attached by ClinVar (database versions not stated): gnomAD exomes 0.44033 and 0.49476; ESP Exome Variant Server 0.47901; gnomAD 0.48964 and 0.49656; ExAC 0.49431; TOPMed 0.51369; 1000 Genomes Project 30x 0.59510; 1000 Genomes Project 0.59525.
gnomAD v4.1: 720,487 of 1,612,726 alleles (45%); highest among the groups gnomAD compares: East Asian, 83%; 168,814 homozygotes.

Submissions (9):

Labcorp Genetics (formerly Invitae), Labcorp
Classification: Benign for Immunodeficiency, common variable, 2. Last evaluated: 2026-02-04. Review status: criteria provided, single submitter. Criteria: Invitae Variant Classification Sherloc (09022015). Collection method: clinical testing. Allele origin: germline.

Blueprint Genetics
Classification: Likely benign. Last evaluated: 2024-11-28. Review status: criteria provided, single submitter. Criteria: ACMG Guidelines, 2015. Collection method: clinical testing. Allele origin: germline.

Unidad de Genómica Garrahan, Hospital de Pediatría Garrahan
Classification: Benign. Last evaluated: 2024-01-24. Review status: criteria provided, single submitter. Criteria: ACMG Guidelines, 2015. Collection method: clinical testing. Allele origin: germline. Affected: no. Observed: 65 variant alleles.
Comment: This variant is classified as Benign based on local population frequency. This variant was detected in 68% of patients studied by a panel of primary immunodeficiencies. Number of patients: 65. Only high quality variants are reported.

Genome-Nilou Lab
Classification: Benign for Immunodeficiency, common variable, 2. Last evaluated: 2021-09-10. Review status: criteria provided, single submitter. Criteria: ACMG Guidelines, 2015. Collection method: clinical testing. Allele origin: germline. Affected: no.

ARUP Laboratories, Molecular Genetics and Genomics, ARUP Laboratories
Classification: Benign. Last evaluated: 2019-11-04. Review status: criteria provided, single submitter. Criteria: ARUP Molecular Germline Variant Investigation Process. Collection method: clinical testing. Allele origin: germline.

Mayo Clinic Laboratories, Mayo Clinic
Classification: Benign. Last evaluated: 2016-10-04. Review status: criteria provided, single submitter. Criteria: ACMG Guidelines, 2015. Collection method: clinical testing. Allele origin: germline. Observed: 125 variant alleles.

Laboratory for Molecular Medicine, Mass General Brigham Personalized Medicine
Classification: Benign. Last evaluated: 2016-03-29. Review status: criteria provided, single submitter. Criteria: LMM Criteria. Collection method: clinical testing. Allele origin: germline.
Comment: Variant identified in a genome or exome case(s) and assessed due to predicted null impact of the variant or pathogenic assertions in the literature or databases. Disclaimer: This variant has not undergone full assessment. The following are preliminary notes: Frequency

Breakthrough Genomics
Classification: Benign. Review status: criteria provided, single submitter. Criteria: ACMG Guidelines, 2015. Collection method: not provided. Allele origin: germline. Inheritance: Autosomal recessive inheritance. Affected: yes.

PreventionGenetics, part of Exact Sciences
Classification: Benign. Review status: criteria provided, single submitter. Criteria: ACMG Guidelines, 2015. Collection method: clinical testing. Allele origin: germline.

NM_012452.3(TNFRSF13B):c.831T>C (p.Ser277=)

Gene: TNFRSF13B (TNF receptor superfamily member 13B; minus strand). Cytogenetic location: 17p11.2.
Variant type: single nucleotide variant.
Coding change: c.831T>C on transcript NM_012452.3 (MANE Select); coding-DNA position 831, T replaced by C.
Protein change: p.Ser277=; no amino-acid change (serine 277 retained).
Molecular consequence: synonymous variant.
Genome position (GRCh38, 1-based): chr17:16,939,598, A>G on the plus strand (T>C on the coding strand, the complement: TNFRSF13B is on the minus strand). VCF-style: chr17-16939598-A-G. GRCh37 (hg19) VCF-style: chr17-16842912-A-G.
Other names: p.Ser277=.
Identifiers: ClinVar variation 260259 (VCV000260259.33), dbSNP rs11078355, ClinGen allele CA8413841.